The following is an entry in ClinVar:

ClinVar aggregate classification (germline): Likely pathogenic (1 of 4 stars; one submission).

Conditions:
GM1 gangliosidosis. Identifiers: Orphanet 354, MedGen C0085131, MONDO:0018149.

Submission:

Women's Health and Genetics/Laboratory Corporation of America, LabCorp
Classification: Likely pathogenic for GM1 gangliosidosis. Last evaluated: 2025-01-31. Review status: criteria provided, single submitter. Criteria: LabCorp Variant Classification Summary - May 2015. Collection method: clinical testing. Allele origin: germline.
Comment: Variant summary: GLB1 c.787C>T (p.Pro263Ser) results in a non-conservative amino acid change located in the Glycoside hydrolase 35, catalytic domain (IPR031330) of the encoded protein sequence. Five of five in-silico tools predict a damaging effect of the variant on protein function. The variant was absent in 249496 control chromosomes. c.787C>T has been reported in the literature in at least one compound heterozygous individual affected with GM1 Gangliosidosis (e.g. Ishii_1995, Callahan_1999). Publications reporting experimental evidence evaluating an impact on protein function found that the variant results in <10% of normal activity in vitro and was unresponsive to treatment with pharmacological chaperones (e.g. Higaki_2011, Takai_2013). The following publications have been ascertained in the context of this evaluation (PMID: 10571006, 21520340, 23337983). No submitters have cited clinical-significance assessments for this variant to ClinVar. Based on the evidence outlined above, the variant was classified as likely pathogenic.

Literature cited by the submitters: PubMed 10571006; PubMed 23337983; PubMed 21520340.

NM_000404.4(GLB1):c.787C>T (p.Pro263Ser)

Gene: GLB1 (galactosidase beta 1; minus strand). Cytogenetic location: 3p22.3.
Variant type: single nucleotide variant.
Coding change: c.787C>T on transcript NM_000404.4 (MANE Select); coding-DNA position 787, C replaced by T.
Protein change: p.Pro263Ser; replaces proline 263 with serine.
Molecular consequence: missense variant.
Genome position (GRCh38, 1-based): chr3:33,053,496, G>A on the plus strand (C>T on the coding strand, the complement: GLB1 is on the minus strand). VCF-style: chr3-33053496-G-A. GRCh37 (hg19) VCF-style: chr3-33094988-G-A.
Other names: c.697C>T, p.Pro233Ser (NM_001079811.3); c.394C>T, p.Pro132Ser (NM_001135602.3); c.931C>T, p.Pro311Ser (NM_001317040.2); c.787C>T, p.Pro263Ser (NM_001393580.1); short protein forms P132S, P233S, P263S, P311S.
Identifiers: ClinVar variation 3769334 (VCV003769334.2).
Genomic context (GRCh38, chr3:33,053,496, plus strand): 5'-ATGTAACTTTTCTCTCTTAACAGCTGCAAACACACACCTCACCCTCGATTCTTACCAAGG[G>A]TCCTTTGGGCTCACACTTCCTCTGGCTTAGGAAAGCATCTGTGATGTTGCTGCCTGAAAA-3'
Protein context (NP_000395.3, residues 253-273): LSQRKCEPKG[Pro263Ser]LINSEFYTGW